The following is an entry in ClinVar:

ClinVar aggregate classification (germline): Uncertain significance. Review status: criteria provided, multiple submitters, no conflicts (2 of 4 stars). 2 submissions from 2 submitters: Uncertain significance (2). Last evaluated 2025-04-18.

Conditions:
Bardet-Biedl syndrome 15 (BBS15). Identifiers: Orphanet 110, MedGen C3150127, MONDO:0014443, OMIM 615992.
Heart defect - tongue hamartoma - polysyndactyly syndrome. Also called: Congenital heart defects, hamartomas of tongue, and polysyndactyly. Identifiers: Orphanet 1338, MedGen C1857587, MONDO:0009008, OMIM 217085.
WDPCP-related disorder. Also called: WDPCP-related condition.

gnomAD v4.1: 9 of 1,613,016 alleles (0.00056%); highest among the groups gnomAD compares: Non-Finnish European, 0.00076%; no homozygotes.

Submissions (2):

PreventionGenetics, part of Exact Sciences
Classification: Uncertain significance for WDPCP-related condition. Last evaluated: 2025-04-18. Review status: criteria provided, single submitter. Criteria: ACMG Guidelines, 2015. Collection method: clinical testing. Allele origin: germline.
Comment: The WDPCP c.1729T>C variant is predicted to result in the amino acid substitution p.Phe577Leu. To our knowledge, this variant has not been reported in the literature or in a large population database (gnomAD), indicating this variant is rare. At this time, the clinical significance of this variant is uncertain due to the absence of conclusive functional and genetic evidence.

Fulgent Genetics
Classification: Uncertain significance for Heart defect - tongue hamartoma - polysyndactyly syndrome; Bardet-Biedl syndrome 15. Last evaluated: 2024-05-16. Review status: criteria provided, single submitter. Criteria: ACMG Guidelines, 2015. Collection method: clinical testing. Allele origin: germline.

NM_015910.7(WDPCP):c.1729T>C (p.Phe577Leu)

Gene: WDPCP (WD repeat containing planar cell polarity effector; minus strand). Cytogenetic location: 2p15.
Variant type: single nucleotide variant.
Coding change: c.1729T>C on transcript NM_015910.7 (MANE Select); coding-DNA position 1729, T replaced by C.
Protein change: p.Phe577Leu; replaces phenylalanine 577 with leucine.
Molecular consequence: missense variant. On other transcripts: non-coding transcript variant (3).
Genome position (GRCh38, 1-based): chr2:63,378,405, A>G on the plus strand (T>C on the coding strand, the complement: WDPCP is on the minus strand). VCF-style: chr2-63378405-A-G. GRCh37 (hg19) VCF-style: chr2-63605540-A-G.
Other names: c.1729T>C (NM_015910.5); c.1252T>C, p.Phe418Leu (NM_001042692.3); c.1657T>C, p.Phe553Leu (NM_001354044.2); c.1729T>C, p.Phe577Leu (NM_001354045.2); short protein forms F577L, F553L, F418L.
Identifiers: ClinVar variation 3586810 (VCV003586810.2).